The following is an entry in ClinVar:

NM_000088.4(COL1A1):c.3369+14del

Gene: COL1A1 (collagen type I alpha 1 chain; minus strand). Cytogenetic location: 17q21.33.
Variant type: Deletion.
Coding change: c.3369+14del on transcript NM_000088.4 (MANE Select); 14 bases into the intron after coding-DNA position 3369, one base deleted (G; older notation c.3369+14delG).
Molecular consequence: intron variant.
Genome position (GRCh38, 1-based): chr17:50,187,862, C deleted on the plus strand (G on the coding strand, the reverse complement: COL1A1 is on the minus strand). VCF-style (leftmost placement, unchanged base first): chr17-50187861-GC-G. GRCh37 (hg19) VCF-style: chr17-48265222-GC-G.
Other names: c.3369+14delG (NM_000088.4).
Identifiers: ClinVar variation 4887496 (VCV004887496.1).
Genomic context (GRCh38, chr17:50,187,861, plus strand): 5'-GGGAAACTGAGGCGAAGCTCCCCCTCCTATCCCACAGCACAGCATGGGGACTGGGGAGGG[GC>G]TGAGCATACTTACAGGAGGGCCAGGGGGACCCTGGAGGCCAGAGAAGCCACGGTGACCCT-3'

ClinVar aggregate classification (germline): Likely benign (1 of 4 stars; one submission).

Submission:

Women's Health and Genetics/Laboratory Corporation of America, LabCorp
Classification: Likely benign. Last evaluated: 2026-06-29. Review status: criteria provided, single submitter. Criteria: LabCorp Variant Classification Summary - May 2015. Collection method: clinical testing. Allele origin: germline.
Comment: Variant summary: COL1A1 c.3369+14delG alters a nucleotide located at a position not widely known to affect splicing. Consensus agreement among computation tools predict no significant impact on normal splicing. However, these predictions have yet to be confirmed by functional studies. The variant was absent in 226442 control chromosomes. The available data on variant occurrences in the general population are insufficient to allow any conclusion about variant significance. To our knowledge, no occurrence of c.3369+14delG in individuals affected with COL1A1-related conditions and no experimental evidence demonstrating its impact on protein function have been reported. No submitters have cited clinical-significance assessments for this variant to ClinVar. Based on the evidence outlined above, the variant was classified as likely benign.